The following is an entry in ClinVar:

ClinVar aggregate classification (germline): Benign. Review status: criteria provided, multiple submitters, no conflicts (2 of 4 stars). 2 submissions from 2 submitters: Benign (2). Last evaluated 2018-01-13.

Conditions:
Neuropathy, hereditary sensory and autonomic, type 1C. Also called: HSAN IC; HSN IC. Identifiers: Orphanet 36386, MedGen C3150896, MONDO:0013337, OMIM 613640.

Allele frequency attached by ClinVar (database versions not stated): 1000 Genomes Project 30x 0.94379; 1000 Genomes Project 0.94509; TOPMed 0.95023; gnomAD 0.95264 and 0.95595; gnomAD exomes 1.00000.
gnomAD v4.1: 145,680 of 152,332 alleles (96%); highest among the groups gnomAD compares: East Asian, 100%; 69,964 homozygotes.

Submissions (2):

Illumina Laboratory Services, Illumina
Classification: Benign for Neuropathy, hereditary sensory and autonomic, type 1C. Last evaluated: 2018-01-13. Review status: criteria provided, single submitter. Criteria: ICSL Variant Classification Criteria 13 December 2019. Collection method: clinical testing. Allele origin: germline.
Comment: This variant was observed in the ICSL laboratory as part of a predisposition screen in an ostensibly healthy population. It had not been previously curated by ICSL or reported in the Human Gene Mutation Database (HGMD: prior to June 1st, 2018), and was therefore a candidate for classification through an automated scoring system. Utilizing variant allele frequency, disease prevalence and penetrance estimates, and inheritance mode, an automated score was calculated to assess if this variant is too frequent to cause the disease. Based on the score and internal cut-off values, a variant classified as benign is not then subjected to further curation. The score for this variant resulted in a classification of benign for this disease.

Breakthrough Genomics
Classification: Benign. Review status: criteria provided, single submitter. Criteria: ACMG Guidelines, 2015. Collection method: not provided. Allele origin: germline. Inheritance: Autosomal dominant inheritance. Affected: yes.

NM_004863.4(SPTLC2):c.*4645A>G

Gene: SPTLC2 (serine palmitoyltransferase long chain base subunit 2; minus strand). Cytogenetic location: 14q24.3.
Variant type: single nucleotide variant.
Coding change: c.*4645A>G on transcript NM_004863.4 (MANE Select); 4645 bases downstream of the stop codon, A replaced by G.
Molecular consequence: 3 prime UTR variant.
Genome position (GRCh38, 1-based): chr14:77,507,639, T>C on the plus strand (A>G on the coding strand, the complement: SPTLC2 is on the minus strand). VCF-style: chr14-77507639-T-C. GRCh37 (hg19) VCF-style: chr14-77973982-T-C.
Identifiers: ClinVar variation 314585 (VCV000314585.6), dbSNP rs10132095, ClinGen allele CA10635413.
Genomic context (GRCh38, chr14:77,507,639, plus strand): 5'-GCTTCAGCCTCCCAAAGTGTTGGGATTACAGGTGAGCCACTGCGCCCAGCCATGGGCACA[T>C]ATTTCATGTGGATAAAGTTGAGGCGAGAAAAAGACATGTTTTTCTCCACATGGAAGGTAT-3'